The following is an entry in ClinVar:

NM_001013703.4(EIF2AK4):c.82C>T (p.Gln28Ter)

Genes: EIF2AK4 (eukaryotic translation initiation factor 2 alpha kinase 4; plus strand), LOC130056813 (ATAC-STARR-seq lymphoblastoid silent region 6314; plus strand). Cytogenetic location: 15q15.1.
Variant type: single nucleotide variant.
Coding change: c.82C>T on transcript NM_001013703.4 (MANE Select); coding-DNA position 82, C replaced by T.
Protein change: p.Gln28Ter; replaces glutamine 28 with a stop codon.
Molecular consequence: nonsense.
Genome position (GRCh38, 1-based): chr15:39,934,277, C>T. VCF-style: chr15-39934277-C-T. GRCh37 (hg19) VCF-style: chr15-40226478-C-T.
Other names: short protein forms Q28*.
Identifiers: ClinVar variation 995682 (VCV000995682.8), dbSNP rs2034029835, ClinGen allele CA391686362.

ClinVar aggregate classification (germline): Likely pathogenic (1 of 4 stars; one submission).

Conditions:
Familial pulmonary capillary hemangiomatosis (PVOD2). Also called: Pulmonary venoocclusive disease 2; Pulmonary venoocclusive disease 2, autosomal recessive. Identifiers: Orphanet 199241, MedGen C0340848, MONDO:0009329, OMIM 234810.

Submission:

ARUP Laboratories, Molecular Genetics and Genomics, ARUP Laboratories
Classification: Likely pathogenic for Familial pulmonary capillary hemangiomatosis. Last evaluated: 2019-09-07. Review status: criteria provided, single submitter. Criteria: ARUP Molecular Germline Variant Investigation Process. Collection method: clinical testing. Allele origin: germline.
Comment: The EIF2AK4 c.82C>T; p.Gln28Ter variant, to our knowledge, is not reported in the medical literature or gene-specific databases. This variant is also absent from general population databases (Exome Variant Server, Genome Aggregation Database), indicating it is not a common polymorphism. This variant induces an early termination codon and is predicted to result in a truncated protein or mRNA subject to nonsense-mediated decay. Based on available information, this variant is considered to be likely pathogenic.